The following is an entry in ClinVar:

ClinVar aggregate classification (germline): Likely pathogenic (1 of 4 stars; one submission).

Conditions:
CCDC88C-related disorder. Also called: CCDC88C-related condition; CCDC88C-Related Disorders.

Submission:

Women's Health and Genetics/Laboratory Corporation of America, LabCorp
Classification: Likely pathogenic for CCDC88C-Related Disorders. Last evaluated: 2026-01-28. Review status: criteria provided, single submitter. Criteria: LabCorp Variant Classification Summary - May 2015. Collection method: clinical testing. Allele origin: germline.
Comment: Variant summary: CCDC88C c.891+1G>T is located in a canonical splice-site and is predicted to affect mRNA splicing resulting in a significantly altered protein due to either exon skipping, shortening, or inclusion of intronic material. Variants that disrupt the consensus splice site are a relatively common cause of aberrant splicing and loss of CCDC88C function. Several computational tools predict a significant impact on normal splicing: One predict the variant abolishes a 5' splicing donor site. However, these predictions have yet to be confirmed by functional studies. The variant was absent in 174266 control chromosomes. To our knowledge, no occurrence of c.891+1G>T in individuals affected with CCDC88C-related conditions and no experimental evidence demonstrating its impact on protein function have been reported. No submitters have cited clinical-significance assessments for this variant to ClinVar. Based on the evidence outlined above, the variant was classified as likely pathogenic.

NM_001080414.4(CCDC88C):c.891+1G>T

Gene: CCDC88C (coiled-coil and HOOK domain protein 88C; minus strand). Cytogenetic location: 14q32.11.
Variant type: single nucleotide variant.
Coding change: c.891+1G>T on transcript NM_001080414.4 (MANE Select); the canonical splice donor site of the intron after coding-DNA position 891, G replaced by T.
Molecular consequence: splice donor variant.
Genome position (GRCh38, 1-based): chr14:91,338,488, C>A on the plus strand (G>T on the coding strand, the complement: CCDC88C is on the minus strand). VCF-style: chr14-91338488-C-A. GRCh37 (hg19) VCF-style: chr14-91804832-C-A.
Identifiers: ClinVar variation 4689138 (VCV004689138.1).